The following is an entry in ClinVar:

ClinVar aggregate classification (germline): Uncertain significance (1 of 4 stars; one submission).

Conditions:
Xanthinuria type II. Also called: Xanthine dehydrogenase and aldehyde oxidase combined deficiency of; XDH and AOX dual deficiency. Identifiers: Orphanet 3467, Orphanet 93602, MedGen C1863688, MONDO:0011346, OMIM 603592.

Submission:

Labcorp Genetics (formerly Invitae), Labcorp
Classification: Uncertain significance for Xanthinuria type II. Last evaluated: 2022-07-11. Review status: criteria provided, single submitter. Criteria: Invitae Variant Classification Sherloc (09022015). Collection method: clinical testing. Allele origin: germline.
Comment: In summary, the available evidence is currently insufficient to determine the role of this variant in disease. Therefore, it has been classified as a Variant of Uncertain Significance. Variants that disrupt the consensus splice site are a relatively common cause of aberrant splicing (PMID: 17576681, 9536098). Algorithms developed to predict the effect of sequence changes on RNA splicing suggest that this variant is not likely to affect RNA splicing. This variant has not been reported in the literature in individuals affected with XDH-related conditions. This variant is not present in population databases (gnomAD no frequency). This sequence change falls in intron 3 of the XDH gene. It does not directly change the encoded amino acid sequence of the XDH protein. It affects a nucleotide within the consensus splice site.

Literature cited by the submitters: PubMed 17576681; PubMed 9536098.

NM_000379.4(XDH):c.197+6del

Gene: XDH (xanthine dehydrogenase; minus strand). Cytogenetic location: 2p23.1.
Variant type: Deletion.
Coding change: c.197+6del on transcript NM_000379.4 (MANE Select); 6 bases into the intron after coding-DNA position 197, one base deleted (C; older notation c.197+6delC).
Molecular consequence: intron variant.
Genome position (GRCh38, 1-based): chr2:31,403,042, G deleted on the plus strand (C on the coding strand, the reverse complement: XDH is on the minus strand); the first of 2 consecutive G bases (chr2:31,403,042-31,403,043); deleting either gives the same sequence. VCF-style (leftmost placement, unchanged base first): chr2-31403041-AG-A. GRCh37 (hg19) VCF-style: chr2-31625907-AG-A.
Identifiers: ClinVar variation 2013660 (VCV002013660.4), dbSNP rs2465444543, ClinGen allele CA2580066364.